The following is an entry in ClinVar:

ClinVar aggregate classification (germline): Likely benign (0 of 4 stars; one submission).

Conditions:
LHX1-related disorder. Also called: LHX1-related condition.

Allele frequency attached by ClinVar (database versions not stated): 1000 Genomes Project 30x 0.00359; 1000 Genomes Project 0.00419; ESP Exome Variant Server 0.00503; gnomAD 0.00572; TOPMed 0.00578; gnomAD exomes 0.00767; ExAC 0.00834.
gnomAD v4.1: 12,121 of 1,610,086 alleles (0.75%); highest among the groups gnomAD compares: Middle Eastern, 1.9%; 89 homozygotes.

Submission:

PreventionGenetics, part of Exact Sciences
Classification: Likely benign for LHX1-related condition. Last evaluated: 2019-02-22. Review status: no assertion criteria provided. Collection method: clinical testing. Allele origin: germline.
Comment: This variant is classified as likely benign based on ACMG/AMP sequence variant interpretation guidelines (Richards et al. 2015 PMID: 25741868, with internal and published modifications).

NM_005568.5(LHX1):c.1162G>T (p.Ala388Ser)

Gene: LHX1 (LIM homeobox 1; plus strand). Cytogenetic location: 17q12.
Variant type: single nucleotide variant.
Coding change: c.1162G>T on transcript NM_005568.5 (MANE Select); coding-DNA position 1162, G replaced by T.
Protein change: p.Ala388Ser; replaces alanine 388 with serine.
Molecular consequence: missense variant.
Genome position (GRCh38, 1-based): chr17:36,943,072, G>T. VCF-style: chr17-36943072-G-T. GRCh37 (hg19) VCF-style: chr17-35300369-G-T.
Other names: short protein forms A388S.
Identifiers: ClinVar variation 3055916 (VCV003055916.2), dbSNP rs145694637, ClinGen allele CA8513872.
Genomic context (GRCh38, chr17:36,943,072, plus strand): 5'-ATGTCGGCCGAGGTCTTCGGACCCAGCCCGCCCTTCTCGTCGCTGTCGGTCAACGGTGGG[G>T]CGAGCTACGGAAACCACCTGTCCCACCCCCCCGAAATGAACGAGGCGGCCGTGTGGTAGC-3'
Protein context (NP_005559.2, residues 378-398): PFSSLSVNGG[Ala388Ser]SYGNHLSHPP